The following is an entry in ClinVar:

ClinVar aggregate classification (germline): Uncertain significance (1 of 4 stars; one submission).

Conditions:
Early-onset Lafora body disease. Also called: Epilepsy, progressive myoclonic, 10. Identifiers: Orphanet 324290, MedGen C4225258, MONDO:0014717, OMIM 616640.

Allele frequency attached by ClinVar (database versions not stated): gnomAD 0.00001; TOPMed 0.00001; gnomAD exomes 0.00002 and 0.00003.
gnomAD v4.1: 45 of 1,609,862 alleles (0.0028%); highest among the groups gnomAD compares: Middle Eastern, 0.016%; no homozygotes.

Submission:

Labcorp Genetics (formerly Invitae), Labcorp
Classification: Uncertain significance for Early-onset Lafora body disease. Last evaluated: 2025-04-29. Review status: criteria provided, single submitter. Criteria: Invitae Variant Classification Sherloc (09022015). Collection method: clinical testing. Allele origin: germline.
Comment: This sequence change replaces alanine, which is neutral and non-polar, with glycine, which is neutral and non-polar, at codon 230 of the PRDM8 protein (p.Ala230Gly). This variant is present in population databases (no rsID available, gnomAD 0.003%). This missense change has been observed in individual(s) with clinical features of PRDM8-related conditions (PMID: 35034233). It has also been observed to segregate with disease in related individuals. ClinVar contains an entry for this variant (Variation ID: 933636). Invitae Evidence Modeling of protein sequence and biophysical properties (such as structural, functional, and spatial information, amino acid conservation, physicochemical variation, residue mobility, and thermodynamic stability) indicates that this missense variant is not expected to disrupt PRDM8 protein function with a negative predictive value of 80%. In summary, the available evidence is currently insufficient to determine the role of this variant in disease. Therefore, it has been classified as a Variant of Uncertain Significance.

Literature cited by the submitters: PubMed 35034233.

NM_001099403.2(PRDM8):c.689C>G (p.Ala230Gly)

Gene: PRDM8 (PR/SET domain 8; plus strand). Cytogenetic location: 4q21.21.
Variant type: single nucleotide variant.
Coding change: c.689C>G on transcript NM_001099403.2 (MANE Select); coding-DNA position 689, C replaced by G.
Protein change: p.Ala230Gly; replaces alanine 230 with glycine.
Molecular consequence: missense variant.
Genome position (GRCh38, 1-based): chr4:80,202,151, C>G. VCF-style: chr4-80202151-C-G. GRCh37 (hg19) VCF-style: chr4-81123305-C-G.
Other names: c.689C>G, p.Ala230Gly (NM_020226.4); short protein forms A230G.
Identifiers: ClinVar variation 933636 (VCV000933636.9), dbSNP rs1022510998, ClinGen allele CA100000162.
Genomic context (GRCh38, chr4:80,202,151, plus strand): 5'-AAGACCAGCAGCAGCAGCAGCAGGAGGCACCTTTAGGCCCGGGTCCCAAGTTTTGCAAAG[C>G]CGGCCCCCTCCACCACTACCCATCCCCCTCCCCGGAAAGCAGCAACCCATCCGCTGCCGC-3'
Protein context (NP_001092873.1, residues 220-240): PLGPGPKFCK[Ala230Gly]GPLHHYPSPS